The following is an entry in ClinVar:

ClinVar aggregate classification (germline): Benign/Likely benign. Review status: criteria provided, multiple submitters, no conflicts (2 of 4 stars). 4 submissions from 4 submitters: Benign (3); Likely benign (1). Last evaluated 2026-01-11.

Conditions:
Retinal cone dystrophy 4 (RCD4). Identifiers: Orphanet 1872, MedGen C1864849, MONDO:0012507, OMIM 610478.

Allele frequency attached by ClinVar (database versions not stated): gnomAD 0.00004 and 0.00058; TOPMed 0.00010; gnomAD exomes 0.00080 and 0.00149; 1000 Genomes Project 30x 0.00281; 1000 Genomes Project 0.00300; ExAC 0.00365.
gnomAD v4.1: 1,231 of 1,586,830 alleles (0.078%); highest among the groups gnomAD compares: South Asian, 1.2%; 13 homozygotes.

Submissions (4):

Labcorp Genetics (formerly Invitae), Labcorp
Classification: Benign. Last evaluated: 2026-01-11. Review status: criteria provided, single submitter. Criteria: Invitae Variant Classification Sherloc (09022015). Collection method: clinical testing. Allele origin: germline.

Blueprint Genetics
Classification: Likely benign. Last evaluated: 2024-11-11. Review status: criteria provided, single submitter. Criteria: ACMG Guidelines, 2015. Collection method: clinical testing. Allele origin: germline.

CeGaT Center for Human Genetics Tuebingen
Classification: Benign. Last evaluated: 2024-07-01. Review status: criteria provided, single submitter. Criteria: CeGaT Center For Human Genetics Tuebingen Variant Classification Criteria Version 2. Collection method: clinical testing. Allele origin: germline. Affected: yes. Observed: 1 variant allele.
Comment: CACNA2D4: BP4, BP7, BS1, BS2

Illumina Laboratory Services, Illumina
Classification: Benign for Retinal cone dystrophy 4. Last evaluated: 2018-01-12. Review status: criteria provided, single submitter. Criteria: ICSL Variant Classification Criteria 13 December 2019. Collection method: clinical testing. Allele origin: germline.
Comment: This variant was observed in the ICSL laboratory as part of a predisposition screen in an ostensibly healthy population. It had not been previously curated by ICSL or reported in the Human Gene Mutation Database (HGMD: prior to June 1st, 2018), and was therefore a candidate for classification through an automated scoring system. Utilizing variant allele frequency, disease prevalence and penetrance estimates, and inheritance mode, an automated score was calculated to assess if this variant is too frequent to cause the disease. Based on the score and internal cut-off values, a variant classified as benign is not then subjected to further curation. The score for this variant resulted in a classification of benign for this disease.

NM_172364.5(CACNA2D4):c.837C>T (p.Arg279=)

Gene: CACNA2D4 (calcium voltage-gated channel auxiliary subunit alpha2delta 4; minus strand). Cytogenetic location: 12p13.33.
Variant type: single nucleotide variant.
Coding change: c.837C>T on transcript NM_172364.5 (MANE Select); coding-DNA position 837, C replaced by T.
Protein change: p.Arg279=; no amino-acid change (arginine 279 retained).
Molecular consequence: synonymous variant.
Genome position (GRCh38, 1-based): chr12:1,887,014, G>A on the plus strand (C>T on the coding strand, the complement: CACNA2D4 is on the minus strand). VCF-style: chr12-1887014-G-A. GRCh37 (hg19) VCF-style: chr12-1996180-G-A.
Identifiers: ClinVar variation 307866 (VCV000307866.30), dbSNP rs545533620, ClinGen allele CA6387399.